The following is an entry in ClinVar:

ClinVar aggregate classification (germline): Uncertain significance. Review status: criteria provided, multiple submitters, no conflicts (2 of 4 stars). 2 submissions from 2 submitters: Uncertain significance (2). Last evaluated 2024-04-22.

Conditions:
Oligodontia-cancer predisposition syndrome. Also called: TOOTH AGENESIS-COLORECTAL CANCER SYNDROME. Identifiers: Orphanet 300576, MedGen C1837750, MONDO:0012075, OMIM 608615. Disease mechanism: loss of function.
Hereditary cancer-predisposing syndrome. Also called: Hereditary neoplastic syndrome; Neoplastic Syndromes, Hereditary; Tumor predisposition; Hereditary Cancer Syndrome. Identifiers: Orphanet 140162, MedGen C0027672, MeSH D009386, MONDO:0015356.

Submissions (2):

Ambry Genetics
Classification: Uncertain significance for Hereditary cancer-predisposing syndrome. Last evaluated: 2024-04-22. Review status: criteria provided, single submitter. Criteria: Ambry Variant Classification Scheme 2023. Collection method: clinical testing. Allele origin: germline.
Comment: The p.T46A variant (also known as c.136A>G), located in coding exon 1 of the AXIN2 gene, results from an A to G substitution at nucleotide position 136. The threonine at codon 46 is replaced by alanine, an amino acid with similar properties. This amino acid position is conserved. In addition, this alteration is predicted to be tolerated by in silico analysis. Based on the available evidence, the clinical significance of this variant remains unclear.

Labcorp Genetics (formerly Invitae), Labcorp
Classification: Uncertain significance for Oligodontia-cancer predisposition syndrome. Last evaluated: 2023-07-10. Review status: criteria provided, single submitter. Criteria: Invitae Variant Classification Sherloc (09022015). Collection method: clinical testing. Allele origin: germline.
Comment: In summary, the available evidence is currently insufficient to determine the role of this variant in disease. Therefore, it has been classified as a Variant of Uncertain Significance. Advanced modeling of protein sequence and biophysical properties (such as structural, functional, and spatial information, amino acid conservation, physicochemical variation, residue mobility, and thermodynamic stability) performed at Invitae indicates that this missense variant is not expected to disrupt AXIN2 protein function. ClinVar contains an entry for this variant (Variation ID: 533205). This variant has not been reported in the literature in individuals affected with AXIN2-related conditions. This variant is not present in population databases (gnomAD no frequency). This sequence change replaces threonine, which is neutral and polar, with alanine, which is neutral and non-polar, at codon 46 of the AXIN2 protein (p.Thr46Ala).

NM_004655.4(AXIN2):c.136A>G (p.Thr46Ala)

Gene: AXIN2 (axin 2; minus strand). Cytogenetic location: 17q24.1.
Variant type: single nucleotide variant.
Coding change: c.136A>G on transcript NM_004655.4 (MANE Select); coding-DNA position 136, A replaced by G.
Protein change: p.Thr46Ala; replaces threonine 46 with alanine.
Molecular consequence: missense variant.
Genome position (GRCh38, 1-based): chr17:65,558,485, T>C on the plus strand (A>G on the coding strand, the complement: AXIN2 is on the minus strand). VCF-style: chr17-65558485-T-C. GRCh37 (hg19) VCF-style: chr17-63554603-T-C.
Other names: c.136A>G (LRG_296t1); c.136A>G, p.Thr46Ala (NM_001363813.1); short protein forms T46A.
Identifiers: ClinVar variation 533205 (VCV000533205.10), dbSNP rs1555583721, ClinGen allele CA400682072.